The following is an entry in ClinVar:

NM_023110.3(FGFR1):c.2392C>G (p.His798Asp)

Gene: FGFR1 (fibroblast growth factor receptor 1; minus strand). Cytogenetic location: 8p11.23.
Variant type: single nucleotide variant.
Coding change: c.2392C>G on transcript NM_023110.3 (MANE Select); coding-DNA position 2392, C replaced by G.
Protein change: p.His798Asp; replaces histidine 798 with aspartic acid.
Molecular consequence: missense variant. On other transcripts: intron variant (3).
Genome position (GRCh38, 1-based): chr8:38,413,705, G>C on the plus strand (C>G on the coding strand, the complement: FGFR1 is on the minus strand). VCF-style: chr8-38413705-G-C. GRCh37 (hg19) VCF-style: chr8-38271223-G-C.
Other names: c.2392C>G, p.His798Asp (NM_000604.2); c.2386C>G, p.His796Asp (NM_001174063.2, NM_001174065.2, NM_015850.4); c.2362C>G, p.His788Asp (NM_001174064.2); c.2125C>G, p.His709Asp (NM_001174066.2, NM_023105.3); c.2485C>G, p.His829Asp (NM_001174067.2); c.2113C>G, p.His705Asp (NM_001354368.2); c.2380C>G, p.His794Asp (NM_001410922.1); c.2119C>G, p.His707Asp (NM_023106.3); and 3 more; short protein forms H705D, H707D, H709D, H788D, H794D, H796D, H798D, H829D.
Identifiers: ClinVar variation 2582153 (VCV002582153.1), dbSNP rs2150507200, ClinGen allele CA370726848.

ClinVar aggregate classification (germline): Uncertain significance (1 of 4 stars; one submission).

gnomAD v4.1: 5 of 1,613,992 alleles (0.00031%); highest among the groups gnomAD compares: Non-Finnish European, 0.00042%; no homozygotes.

Submission:

GeneDx
Classification: Uncertain significance. Last evaluated: 2023-03-30. Review status: criteria provided, single submitter. Criteria: GeneDx Variant Classification Process June 2021. Collection method: clinical testing. Allele origin: germline. Affected: yes.
Comment: Not observed at significant frequency in large population cohorts (gnomAD); In silico analysis supports that this missense variant has a deleterious effect on protein structure/function; Has not been previously published as pathogenic or benign to our knowledge